The following is an entry in ClinVar:

ClinVar aggregate classification (germline): Conflicting classifications of pathogenicity. Review status: criteria provided, conflicting classifications (1 of 4 stars). 5 submissions from 5 submitters: Uncertain significance (3); Likely benign (2). Last evaluated 2025-08-11.

Conditions:
Hereditary breast ovarian cancer syndrome. Also called: Hereditary breast and/or ovarian cancer syndrome; BRCA1- and BRCA2-Associated Hereditary Breast and Ovarian Cancer; Breast and ovarian cancer; Hereditary breast and ovarian cancer; Hereditary breast and ovarian cancer syndrome; Hereditary breast and ovarian cancer syndrome (HBOC). Identifiers: Orphanet 145, MedGen C0677776, MeSH D061325, MONDO:0003582. Disease mechanism: loss of function.
Hereditary cancer-predisposing syndrome. Also called: Hereditary neoplastic syndrome; Tumor predisposition; Hereditary Cancer Syndrome; Neoplastic Syndromes, Hereditary. Identifiers: Orphanet 140162, MedGen C0027672, MeSH D009386, MONDO:0015356.

Submissions (5):

Quest Diagnostics Nichols Institute San Juan Capistrano
Classification: Uncertain significance. Last evaluated: 2025-08-11. Review status: criteria provided, single submitter. Criteria: Quest Diagnostics criteria. Collection method: clinical testing. Allele origin: unknown.
Comment: The BRCA2 c.6131G>A (p.Gly2044Asp) variant has been identified in the published literature in a reportedly unaffected individual (PMID: 33471991 (2021), see also LOVD). This variant has also been reported to be located in a region of the BRCA2 gene that is tolerant to missense sequence changes (PMID: 31911673 (2020)). This variant has not been reported in large, multi-ethnic general populations (Genome Aggregation Database). Analysis of this variant using bioinformatics tools for the prediction of the effect of amino acid changes on protein structure and function yielded predictions that this variant is benign. Based on the available information, we are unable to determine the clinical significance of this variant.

Labcorp Genetics (formerly Invitae), Labcorp
Classification: Uncertain significance for Hereditary breast ovarian cancer syndrome. Last evaluated: 2024-12-04. Review status: criteria provided, single submitter. Criteria: Invitae Variant Classification Sherloc (09022015). Collection method: clinical testing. Allele origin: germline.
Comment: This sequence change replaces glycine, which is neutral and non-polar, with aspartic acid, which is acidic and polar, at codon 2044 of the BRCA2 protein (p.Gly2044Asp). This variant is not present in population databases (gnomAD no frequency). This variant has not been reported in the literature in individuals affected with BRCA2-related conditions. ClinVar contains an entry for this variant (Variation ID: 495479). Invitae Evidence Modeling of protein sequence and biophysical properties (such as structural, functional, and spatial information, amino acid conservation, physicochemical variation, residue mobility, and thermodynamic stability) indicates that this missense variant is not expected to disrupt BRCA2 protein function with a negative predictive value of 95%. In summary, the available evidence is currently insufficient to determine the role of this variant in disease. Therefore, it has been classified as a Variant of Uncertain Significance.

University of Washington Department of Laboratory Medicine, University of Washington
Classification: Likely benign for Hereditary cancer-predisposing syndrome. Last evaluated: 2023-03-23. Review status: criteria provided, single submitter. Criteria: Dines et al. (Genet Med. 2020). Collection method: curation. Allele origin: germline.
Comment: Missense variant in a coldspot region where missense variants are very unlikely to be pathogenic (PMID:31911673).

BRCA2 exon 11 coldspot. Reclassification based on statistical prior probability.

Ambry Genetics
Classification: Likely benign for Hereditary cancer-predisposing syndrome. Last evaluated: 2019-12-23. Review status: criteria provided, single submitter. Criteria: Ambry Variant Classification Scheme 2023. Collection method: clinical testing. Allele origin: germline.

Women's Health and Genetics/Laboratory Corporation of America, LabCorp
Classification: Uncertain significance. Last evaluated: 2017-03-13. Review status: criteria provided, single submitter. Criteria: LabCorp Variant Classification Summary - May 2015. Collection method: clinical testing. Allele origin: germline.
Comment: Variant summary: The BRCA2 c.6131G>A (p.Gly2044Asp) variant causes a missense change involving the alteration of a non-conserved nucleotide. 3/5 in silico tools predict a benign outcome for this variant. This variant is absent in 120848 control chromosomes. The variant of interest has not, to our knowledge, been reported in affected individuals via publications and/or clinical diagnostic laboratories; nor evaluated for functional impact by in vivo/vitro studies. UMD/BRCA2 reports this variant in one individual without co-occurrence with deleterious variants; classified as '3-UV'. Because of the absence of clinical information and the lack of functional studies, the variant is classified as a variant of uncertain significance (VUS) until additional information becomes available.

Literature cited by the submitters: PubMed 33471991 (cited by Quest Diagnostics Nichols Institute San Juan Capistrano); PubMed 31911673 (cited by Quest Diagnostics Nichols Institute San Juan Capistrano); PubMed 23729402 (cited by Women's Health and Genetics/Laboratory Corporation of America, LabCorp); PubMed 25256751 (cited by Women's Health and Genetics/Laboratory Corporation of America, LabCorp).

NM_000059.4(BRCA2):c.6131G>A (p.Gly2044Asp)

Gene: BRCA2 (BRCA2 DNA repair associated; plus strand). Cytogenetic location: 13q13.1.
Variant type: single nucleotide variant.
Coding change: c.6131G>A on transcript NM_000059.4 (MANE Select); coding-DNA position 6131, G replaced by A.
Protein change: p.Gly2044Asp; replaces glycine 2044 with aspartic acid.
Molecular consequence: missense variant.
Genome position (GRCh38, 1-based): chr13:32,340,486, G>A. VCF-style: chr13-32340486-G-A. GRCh37 (hg19) VCF-style: chr13-32914623-G-A.
Other names: short protein forms G2044D.
Identifiers: ClinVar variation 495479 (VCV000495479.15), dbSNP rs56191579, ClinGen allele CA387788208.